The following is an entry in ClinVar:

NM_007078.3(LDB3):c.1653C>A (p.Cys551Ter)

Gene: LDB3 (LIM domain binding 3; plus strand). Cytogenetic location: 10q23.2.
Variant type: single nucleotide variant.
Coding change: c.1653C>A on transcript NM_007078.3 (MANE Select); coding-DNA position 1653, C replaced by A.
Protein change: p.Cys551Ter; replaces cysteine 551 with a stop codon.
Molecular consequence: nonsense.
Genome position (GRCh38, 1-based): chr10:86,716,748, C>A. VCF-style: chr10-86716748-C-A. GRCh37 (hg19) VCF-style: chr10-88476505-C-A.
Other names: c.1323C>A, p.Cys441Ter (NM_001080114.2); c.1668C>A, p.Cys556Ter (NM_001171610.2); c.1464C>A, p.Cys488Ter (NM_001368064.1, NM_001368065.1); c.1512C>A, p.Cys504Ter (NM_001368066.1); short protein forms C441*, C504*, C551*, C488*, C556*.
Identifiers: ClinVar variation 1431435 (VCV001431435.6), dbSNP rs45581435, ClinGen allele CA377451663.
Genomic context (GRCh38, chr10:86,716,748, plus strand): 5'-TGCCAGGGGGACCGTCCAGAGGGCTGAGCGATTCCCAGCCAGCAGCCGGACTCCACTCTG[C>A]GGTCACTGCAACAATGTCATCCGGTATGGTCCAGCTGTGCCCCTGCACTGGGGCACTGGA-3'

ClinVar aggregate classification (germline): Pathogenic (1 of 4 stars; one submission).

Conditions:
Myofibrillar myopathy 4. Also called: Zaspopathy (type). Identifiers: Orphanet 98912, MedGen C4721886, MONDO:0012277, OMIM 609452.

Submission:

Labcorp Genetics (formerly Invitae), Labcorp
Classification: Pathogenic for Myofibrillar myopathy 4. Last evaluated: 2024-04-17. Review status: criteria provided, single submitter. Criteria: Invitae Variant Classification Sherloc (09022015). Collection method: clinical testing. Allele origin: germline.
Comment: The LDB3 gene has multiple clinically relevant transcripts. This variant occurs in alternate transcript NM_007078.3, and corresponds to NM_001080116.1:c.*17374C>A in the primary transcript. This sequence change creates a premature translational stop signal (p.Cys551*) in the LDB3 gene. It is expected to result in an absent or disrupted protein product. Loss-of-function variants in LDB3 are known to be pathogenic (PMID: 36253531). This variant is not present in population databases (gnomAD no frequency). This variant has not been reported in the literature in individuals affected with LDB3-related conditions. For these reasons, this variant has been classified as Pathogenic.

Literature cited by the submitters: PubMed 36253531.